The following is an entry in ClinVar:

NM_000051.4(ATM):c.6745del (p.Asp2249fs)

Genes: ATM (ATM serine/threonine kinase; plus strand), C11orf65 (chromosome 11 open reading frame 65; minus strand). Cytogenetic location: 11q22.3.
Variant type: Deletion.
Coding change: c.6745del on transcript NM_000051.4 (MANE Select); coding-DNA position 6745, one base deleted (G; older notation c.6745delG).
Protein change: p.Asp2249fs; shifts the reading frame from aspartic acid 2249.
Molecular consequence: frameshift variant. On other transcripts: intron variant (2).
Genome position (GRCh38, 1-based): chr11:108,325,482, G deleted; the last of 2 consecutive G bases (chr11:108,325,481-108,325,482); deleting either gives the same sequence. VCF-style (leftmost placement, unchanged base first): chr11-108325480-AG-A. GRCh37 (hg19) VCF-style: chr11-108196207-AG-A.
Other names: c.6745delG, p.Asp2249Thrfs (NM_000051.3); c.6745del, p.Asp2249fs (NM_001351834.2); c.641-16410del (NM_001330368.2); c.*38+9739del (NM_001351110.2); short protein forms D2249fs.
Identifiers: ClinVar variation 1807433 (VCV001807433.1), dbSNP rs2547205608, ClinGen allele CA2580083064.
Genomic context (GRCh38, chr11:108,325,480, plus strand): 5'-CAGTCATTTTGGAGATCCTGATGGAAAAGGAAATGGACAACTCACAAAGAGAATGTATTA[AG>A]GACATTCTCACCAAACACCTTGTAGAACTCTCTATACTGGCCAGAACTTTCAAGAACACT-3'

ClinVar aggregate classification (germline): Likely pathogenic (1 of 4 stars; one submission).

Submission:

Athena Diagnostics
Classification: Likely pathogenic. Last evaluated: 2022-07-11. Review status: criteria provided, single submitter. Criteria: Athena Diagnostics Criteria. Collection method: clinical testing. Allele origin: unknown.
Comment: This variant is expected to result in the loss of a functional protein. This variant has not been reported in large, multi-ethnic general populations.